The following is an entry in ClinVar:

NM_178170.3(NEK8):c.1359_1360del (p.His454fs)

Gene: NEK8 (NIMA related kinase 8; plus strand). Cytogenetic location: 17q11.2.
Variant type: Microsatellite.
Coding change: c.1359_1360del on transcript NM_178170.3 (MANE Select); coding-DNA positions 1359 to 1360, 2 bases deleted (TC; older notation c.1359_1360delTC).
Protein change: p.His454fs; shifts the reading frame from histidine 454.
Molecular consequence: frameshift variant.
Genome position (GRCh38, 1-based): chr17:28,739,143-28,739,144, TC deleted; deleting any 2 consecutive bases within chr17:28,739,140-28,739,144 gives the same sequence; the c. name uses the placement nearest the transcript's 3' end. VCF-style (leftmost placement, unchanged base first): chr17-28739139-CCT-C. GRCh37 (hg19) VCF-style: chr17-27066157-CCT-C.
Other names: short protein forms H454fs.
Identifiers: ClinVar variation 1430306 (VCV001430306.7), dbSNP rs1282492342, ClinGen allele CA625394264.
Genomic context (GRCh38, chr17:28,739,139, plus strand): 5'-TCTAGCCCACCATTGTGGAGGCTTTGCTGGGCTATGAAATGGTGCAGGTGGCCTGTGGGG[CCT>C]CTCACGTGCTGGCCCTGTCCACTGAGCGAGAACTATTTGCCTGGGGCCGTGGAGACAGCG-3'

ClinVar aggregate classification (germline): Pathogenic/Likely pathogenic. Review status: criteria provided, multiple submitters, no conflicts (2 of 4 stars). 2 submissions from 2 submitters: Pathogenic (1); Likely pathogenic (1). Last evaluated 2021-12-25.

Conditions:
Nephronophthisis 9 (NPHP9). Identifiers: Orphanet 655, MedGen C3151188, MONDO:0013444, OMIM 613824.
Renal-hepatic-pancreatic dysplasia 2 (RHPD2). Identifiers: MedGen C3809434, MONDO:0014174, OMIM 615415.

Submissions (2):

Labcorp Genetics (formerly Invitae), Labcorp
Classification: Pathogenic for Nephronophthisis 9. Last evaluated: 2021-12-25. Review status: criteria provided, single submitter. Criteria: Invitae Variant Classification Sherloc (09022015). Collection method: clinical testing. Allele origin: germline.
Comment: For these reasons, this variant has been classified as Pathogenic. This variant has not been reported in the literature in individuals affected with NEK8-related conditions. This variant is present in population databases (no rsID available, gnomAD 0.003%). This sequence change creates a premature translational stop signal (p.His454Argfs*7) in the NEK8 gene. It is expected to result in an absent or disrupted protein product. Loss-of-function variants in NEK8 are known to be pathogenic (PMID: 23418306, 26967905).

Fulgent Genetics
Classification: Likely pathogenic for Nephronophthisis 9; Renal-hepatic-pancreatic dysplasia 2. Last evaluated: 2021-12-15. Review status: criteria provided, single submitter. Criteria: ACMG Guidelines, 2015. Collection method: clinical testing. Allele origin: unknown.

Literature cited by the submitters: PubMed 23418306 (cited by Labcorp Genetics (formerly Invitae), Labcorp); PubMed 26967905 (cited by Labcorp Genetics (formerly Invitae), Labcorp).